The following is an entry in ClinVar:

ClinVar aggregate classification (germline): Uncertain significance (1 of 4 stars; one submission).

Submission:

GeneDx
Classification: Uncertain significance. Last evaluated: 2020-01-20. Review status: criteria provided, single submitter. Criteria: GeneDx Variant Classification Process June 2021. Collection method: clinical testing. Allele origin: germline. Affected: yes.
Comment: Not observed in large population cohorts (Lek et al., 2016); In silico analysis, which includes protein predictors and evolutionary conservation, supports that this variant does not alter protein structure/function; Has not been previously published as pathogenic or benign to our knowledge

NM_001371928.1(AHDC1):c.1885G>C (p.Ala629Pro)

Gene: AHDC1 (AT-hook DNA binding motif containing 1; minus strand). Cytogenetic location: 1p36.11.
Variant type: single nucleotide variant.
Coding change: c.1885G>C on transcript NM_001371928.1 (MANE Select); coding-DNA position 1885, G replaced by C.
Protein change: p.Ala629Pro; replaces alanine 629 with proline.
Molecular consequence: missense variant.
Genome position (GRCh38, 1-based): chr1:27,550,231, C>G on the plus strand (G>C on the coding strand, the complement: AHDC1 is on the minus strand). VCF-style: chr1-27550231-C-G. GRCh37 (hg19) VCF-style: chr1-27876742-C-G.
Other names: c.1885G>C, p.Ala629Pro (NM_001029882.3); short protein forms A629P.
Identifiers: ClinVar variation 1309853 (VCV001309853.2), dbSNP rs755324255, ClinGen allele CA339233135.